The following is an entry in ClinVar:

NM_000051.4(ATM):c.3077+1G>C

Gene: ATM (ATM serine/threonine kinase; plus strand). Cytogenetic location: 11q22.3.
Variant type: single nucleotide variant.
Coding change: c.3077+1G>C on transcript NM_000051.4 (MANE Select); the canonical splice donor site of the intron after coding-DNA position 3077, G replaced by C.
Molecular consequence: splice donor variant.
Genome position (GRCh38, 1-based): chr11:108,271,407, G>C. VCF-style: chr11-108271407-G-C. GRCh37 (hg19) VCF-style: chr11-108142134-G-C.
Other names: c.3077+1G>C (NM_001351834.2).
Identifiers: ClinVar variation 2679681 (VCV002679681.4), dbSNP rs192810283, ClinGen allele CA382547725.

ClinVar aggregate classification (germline): Pathogenic/Likely pathogenic. Review status: criteria provided, multiple submitters, no conflicts (2 of 4 stars). 3 submissions from 3 submitters: Pathogenic (1); Likely pathogenic (2). Last evaluated 2025-08-11.

Conditions:
Ataxia-telangiectasia syndrome (AT). Also called: AT, COMPLEMENTATION GROUP C; Ataxia telangiectasia (A-T); Cerebello-oculocutaneous telangiectasia; Immunodeficiency with ataxia telangiectasia; LOUIS-BAR SYNDROME; ATAXIA-TELANGIECTASIA, COMPLEMENTATION GROUP A. Identifiers: Orphanet 100, MedGen C0004135, MONDO:0008840, OMIM 208900.
Familial cancer of breast. Also called: hereditary breast carcinoma; BREAST CANCER, FAMILIAL; Hereditary breast cancer. Identifiers: Orphanet 227535, MedGen C0346153, MONDO:0016419, OMIM 114480. Disease mechanism: loss of function.

Submissions (3):

Myriad Genetics, Inc.
Classification: Likely pathogenic for Familial cancer of breast. Last evaluated: 2025-08-11. Review status: criteria provided, single submitter. Criteria: Myriad Autosomal Dominant, Autosomal Recessive and X-Linked Classification Criteria (2023). Collection method: clinical testing. Allele origin: unknown.
Comment: This variant is considered likely pathogenic. This variant occurs within a consensus splice junction and is predicted to result in abnormal mRNA splicing of either an out-of-frame exon or an in-frame exon necessary for protein stability and/or normal function.

Labcorp Genetics (formerly Invitae), Labcorp
Classification: Pathogenic for Ataxia-telangiectasia syndrome. Last evaluated: 2024-02-14. Review status: criteria provided, single submitter. Criteria: Invitae Variant Classification Sherloc (09022015). Collection method: clinical testing. Allele origin: germline.
Comment: This sequence change affects a donor splice site in intron 20 of the ATM gene. RNA analysis indicates that disruption of this splice site induces altered splicing and may result in an absent or disrupted protein product. This variant is not present in population databases (gnomAD no frequency). Disruption of this splice site has been observed in individual(s) with ataxia-telangiectasia (PMID: 35260754). Studies have shown that disruption of this splice site results in activation of a cryptic splice site and introduces a premature termination codon (Invitae). The resulting mRNA is expected to undergo nonsense-mediated decay. For these reasons, this variant has been classified as Pathogenic.

Baylor Genetics
Classification: Likely pathogenic for Familial cancer of breast. Last evaluated: 2023-08-21. Review status: criteria provided, single submitter. Criteria: ACMG Guidelines, 2015. Collection method: clinical testing. Allele origin: unknown.

Literature cited by the submitters: PubMed 35260754 (cited by Labcorp Genetics (formerly Invitae), Labcorp).